The following is an entry in ClinVar:

ClinVar aggregate classification (germline): Likely benign. Review status: criteria provided, multiple submitters, no conflicts (2 of 4 stars). 2 submissions from 2 submitters: Likely benign (2). Last evaluated 2024-09-19.

Conditions:
Hereditary diffuse gastric adenocarcinoma (HDGC). Also called: DIFFUSE GASTRIC AND LOBULAR BREAST CANCER SYNDROME. Identifiers: Orphanet 26106, MedGen C1708349, MONDO:0007648, OMIM 137215.

gnomAD v4.1: 1 of 1,606,924 alleles (0.000062%); highest among the groups gnomAD compares: Non-Finnish European, 0.000085%; no homozygotes.

Submissions (2):

Myriad Genetics, Inc.
Classification: Likely benign for Hereditary diffuse gastric adenocarcinoma. Last evaluated: 2024-09-19. Review status: criteria provided, single submitter. Criteria: Myriad Autosomal Dominant, Autosomal Recessive and X-Linked Classification Criteria (2023). Collection method: clinical testing. Allele origin: unknown.
Comment: This variant is considered likely benign. This variant is intronic and is not expected to impact mRNA splicing.

Labcorp Genetics (formerly Invitae), Labcorp
Classification: Likely benign for Hereditary diffuse gastric adenocarcinoma. Last evaluated: 2024-02-23. Review status: criteria provided, single submitter. Criteria: Invitae Variant Classification Sherloc (09022015). Collection method: clinical testing. Allele origin: germline.

NM_004360.5(CDH1):c.1712-13T>C

Gene: CDH1 (cadherin 1; plus strand). Cytogenetic location: 16q22.1.
Variant type: single nucleotide variant.
Coding change: c.1712-13T>C on transcript NM_004360.5 (MANE Select); 13 bases into the intron before coding-DNA position 1712, T replaced by C.
Molecular consequence: intron variant.
Genome position (GRCh38, 1-based): chr16:68,821,988, T>C. VCF-style: chr16-68821988-T-C. GRCh37 (hg19) VCF-style: chr16-68855891-T-C.
Other names: c.164-13T>C (NM_001317185.2); c.-254-13T>C (NM_001317186.2); c.1529-13T>C (NM_001317184.2).
Identifiers: ClinVar variation 3379308 (VCV003379308.3).
Genomic context (GRCh38, chr16:68,821,988, plus strand): 5'-TTGGTCTGGTGGAAGGCAATGGGGATTCATTACTGTTGCCAAGCTGCCACATTTTCTGTG[T>C]ATTTTCTCTTAGGTTCTCCAGTTGCTACTGGAACAGGGACACTTCTGCTGATCCTGTCTG-3'